The following is an entry in ClinVar:

NM_058216.3(RAD51C):c.3G>C (p.Met1Ile)

Gene: RAD51C (RAD51 paralog C; plus strand). Cytogenetic location: 17q22.
Variant type: single nucleotide variant.
Coding change: c.3G>C on transcript NM_058216.3 (MANE Select); coding-DNA position 3, G replaced by C.
Protein change: p.Met1Ile; changes the start codon (methionine 1).
Molecular consequence: missense variant, initiator codon variant. On other transcripts: non-coding transcript variant (2).
Genome position (GRCh38, 1-based): chr17:58,692,646, G>C. VCF-style: chr17-58692646-G-C. GRCh37 (hg19) VCF-style: chr17-56770007-G-C.
Other names: c.3G>C, p.Met1Ile (NM_002876.4); short protein forms M1I.
Identifiers: ClinVar variation 956146 (VCV000956146.9), dbSNP rs769053886, ClinGen allele CA400336063.

ClinVar aggregate classification (germline): Uncertain significance. Review status: criteria provided, multiple submitters, no conflicts (2 of 4 stars). 2 submissions from 2 submitters: Uncertain significance (2). Last evaluated 2024-05-03.

Conditions:
Hereditary breast ovarian cancer syndrome. Also called: Hereditary breast and ovarian cancer syndrome (HBOC); Hereditary breast and/or ovarian cancer syndrome; Hereditary breast and ovarian cancer; Hereditary breast and ovarian cancer syndrome; BRCA1- and BRCA2-Associated Hereditary Breast and Ovarian Cancer; Breast and ovarian cancer. Identifiers: Orphanet 145, MedGen C0677776, MeSH D061325, MONDO:0003582. Disease mechanism: loss of function.
Fanconi anemia complementation group O. Also called: RAD51C-Related Fanconi Anemia. Identifiers: Orphanet 84, MedGen C3150653, MONDO:0013248, OMIM 613390.

Submissions (2):

German Consortium for Hereditary Breast and Ovarian Cancer, University Hospital Cologne
Classification: Uncertain significance for Hereditary breast ovarian cancer syndrome. Last evaluated: 2024-05-03. Review status: criteria provided, single submitter. Criteria: ACMG Guidelines, 2015. Collection method: curation. Allele origin: germline.
Comment: According to the ACMG SVI adaptation criteria we chose these criteria: PM2 (supporting pathogenic): absent from gnomAD, BS3 (strong benign): alternative start codon at M10 variants in the first methionine are homologous recombination proficient

Labcorp Genetics (formerly Invitae), Labcorp
Classification: Uncertain significance for Fanconi anemia complementation group O. Last evaluated: 2022-07-12. Review status: criteria provided, single submitter. Criteria: Invitae Variant Classification Sherloc (09022015). Collection method: clinical testing. Allele origin: germline.
Comment: In summary, the available evidence is currently insufficient to determine the role of this variant in disease. Therefore, it has been classified as a Variant of Uncertain Significance. ClinVar contains an entry for this variant (Variation ID: 956146). This variant has not been reported in the literature in individuals affected with RAD51C-related conditions. This variant is not present in population databases (gnomAD no frequency). This sequence change affects the initiator methionine of the RAD51C mRNA. The next in-frame methionine is located at codon 10.